The following is an entry in ClinVar:

NC_000007.13:g.(?_145813969)_(148112708_?)del

Gene: CNTNAP2 (contactin associated protein 2; plus strand). Cytogenetic location: 7q35-36.1.
Variant type: Deletion.
Identifiers: ClinVar variation 1456382 (VCV001456382.6).

ClinVar aggregate classification (germline): Pathogenic (1 of 4 stars; one submission).

Conditions:
Cortical dysplasia-focal epilepsy syndrome (PTHSL1). Also called: Pitt-Hopkins-like syndrome 1. Identifiers: Orphanet 163681, Orphanet 221150, MedGen C2750246, MONDO:0012400, OMIM 610042.

Submission:

Labcorp Genetics (formerly Invitae), Labcorp
Classification: Pathogenic for Cortical dysplasia-focal epilepsy syndrome. Last evaluated: 2022-08-09. Review status: criteria provided, single submitter. Criteria: Invitae Variant Classification Sherloc (09022015). Collection method: clinical testing. Allele origin: germline.
Comment: A gross deletion of the genomic region encompassing the full coding sequence of the CNTNAP2 gene has been identified. Loss-of-function variants in CNTNAP2 are known to be pathogenic (PMID: 19896112, 21827697, 25045150, 26843181, 27439707). The boundaries of this event are unknown as they extend beyond the assayed region for this gene and therefore may encompass additional genes. This variant has not been reported in the literature in individuals affected with CNTNAP2-related conditions. For these reasons, this variant has been classified as Pathogenic.

Literature cited by the submitters: PubMed 19896112; PubMed 21827697; PubMed 25045150; PubMed 26843181; PubMed 27439707.